The following is an entry in ClinVar:

GRCh38/hg38 1q21.1(chr1:145335791-146127929)x3

Genes: ANKRD34A (ankyrin repeat domain 34A; minus strand), ANKRD35 (ankyrin repeat domain 35; minus strand), ANKRD35-DT (ANKRD35 divergent transcript; plus strand), CD160 (CD160 molecule; plus strand), GPHRA (golgi pH regulator A; plus strand) and 59 more. Cytogenetic location: 1q21.1.
Variant type: copy number gain.
Change: copy number 3 (three copies instead of two) of chr1:145,335,791-146,127,929 (792.1 kb, GRCh38 coordinates, 1-based), cytogenetic band 1q21.1.
Identifiers: ClinVar variation 59720 (VCV000059720.2).

ClinVar aggregate classification (germline): Uncertain significance (1 of 4 stars; one submission).

Submission:

ISCA Site 6
Classification: Uncertain significance. Last evaluated: 2011-08-12. Review status: criteria provided, single submitter. Criteria: Kaminsky et al. (Genet Med. 2011). Collection method: clinical testing. Allele origin: maternal. Affected: yes. Observed: 1 variant allele.
Comment: Copy number variation identified through the course of routine clinical cytogenomic testing in postnatal populations. Clinical assertions have been curated as described in Kaminsky et al. 2011.